The following is an entry in ClinVar:

NM_176824.3(BBS7):c.505G>C (p.Asp169His)

Gene: BBS7 (Bardet-Biedl syndrome 7; minus strand). Cytogenetic location: 4q27.
Variant type: single nucleotide variant.
Coding change: c.505G>C on transcript NM_176824.3 (MANE Select); coding-DNA position 505, G replaced by C.
Protein change: p.Asp169His; replaces aspartic acid 169 with histidine.
Molecular consequence: missense variant.
Genome position (GRCh38, 1-based): chr4:121,859,015, C>G on the plus strand (G>C on the coding strand, the complement: BBS7 is on the minus strand). VCF-style: chr4-121859015-C-G. GRCh37 (hg19) VCF-style: chr4-122780170-C-G.
Other names: c.505G>C, p.Asp169His (NM_018190.4); short protein forms D169H.
Identifiers: ClinVar variation 2726198 (VCV002726198.3), dbSNP rs2476548025, ClinGen allele CA358042788.

ClinVar aggregate classification (germline): Uncertain significance (1 of 4 stars; one submission).

Conditions:
Bardet-Biedl syndrome (BBS). Identifiers: Orphanet 110, MedGen C0752166, MONDO:0015229.

Submission:

Labcorp Genetics (formerly Invitae), Labcorp
Classification: Uncertain significance for Bardet-Biedl syndrome. Last evaluated: 2023-08-03. Review status: criteria provided, single submitter. Criteria: Invitae Variant Classification Sherloc (09022015). Collection method: clinical testing. Allele origin: germline.
Comment: This variant has not been reported in the literature in individuals affected with BBS7-related conditions. This sequence change replaces aspartic acid, which is acidic and polar, with histidine, which is basic and polar, at codon 169 of the BBS7 protein (p.Asp169His). This variant is not present in population databases (gnomAD no frequency). Advanced modeling of protein sequence and biophysical properties (such as structural, functional, and spatial information, amino acid conservation, physicochemical variation, residue mobility, and thermodynamic stability) performed at Invitae indicates that this missense variant is expected to disrupt BBS7 protein function. In summary, the available evidence is currently insufficient to determine the role of this variant in disease. Therefore, it has been classified as a Variant of Uncertain Significance.